The following is an entry in ClinVar:

ClinVar aggregate classification (germline): Pathogenic/Likely pathogenic. Review status: criteria provided, multiple submitters, no conflicts (2 of 4 stars). 3 submissions from 3 submitters: Pathogenic (1); Likely pathogenic (1). 1 of the submissions does not count toward it. Last evaluated 2022-05-09.

Conditions:
Renal tubular acidosis, distal, 3, with or without sensorineural hearing loss (DRTA3). Identifiers: MedGen C5399980, MONDO:0011268, OMIM 602722.

Allele frequency attached by ClinVar (database versions not stated): ExAC 0.00001; gnomAD exomes 0.00001.
gnomAD v4.1: 8 of 1,609,394 alleles (0.0005%); highest among the groups gnomAD compares: South Asian, 0.0088%; no homozygotes.

Submissions (4):

Fulgent Genetics
Classification: Pathogenic for Renal tubular acidosis, distal, 3, with or without sensorineural hearing loss. Last evaluated: 2022-05-09. Review status: criteria provided, single submitter. Criteria: ACMG Guidelines, 2015. Collection method: clinical testing. Allele origin: unknown.

Neuberg Centre For Genomic Medicine, NCGM
Classification: Likely pathogenic for Renal tubular acidosis, distal, 3, with or without sensorineural hearing loss. Review status: criteria provided, single submitter. Criteria: ACMG Guidelines, 2015. Collection method: clinical testing. Allele origin: germline. Inheritance: Autosomal recessive inheritance. Affected: yes.
Comment: The observed splice donor c.1691+1G>A variant in ATP6V0A4 gene has not been reported previously as a pathogenic variant nor as a benign variant, to our knowledge. This variant is reported with the allele frequency of 0.001% in the gnomAD Exomes. This variant has been reported to the ClinVar database as Pathogenic. The variant affects the GT donor splice site downstream of exon 16. The spliceAI tool predicts that this splice site variant is damaging. This variant is predicted to cause loss of normal protein function through protein truncation. Loss of function variants have been previously reported to be disease causing. For these reasons, this variant has been classified as Likely Pathogenic.

OMIM
Classification: Pathogenic for RENAL TUBULAR ACIDOSIS, DISTAL, 3, WITH OR WITHOUT SENSORINEURAL HEARING LOSS. Last evaluated: 2002-11-01. Review status: no assertion criteria provided. Collection method: literature only. Allele origin: germline. Not counted in ClinVar's aggregate classification.

Dr. Peter K. Rogan Lab, Western University
No classification provided (evidence only). Condition: Nonpapillary renal cell carcinoma. Review status: no classification provided. Collection method: in vitro. Allele origin: not applicable. Functional consequence: retained intron. Not counted in ClinVar's aggregate classification.

Literature cited by the submitters: PubMed 10973252 (cited by OMIM); PubMed 12414817 (cited by OMIM).

NM_020632.3(ATP6V0A4):c.1691+1G>A

Gene: ATP6V0A4 (ATPase H+ transporting V0 subunit a4; minus strand). Cytogenetic location: 7q34.
Variant type: single nucleotide variant.
Coding change: c.1691+1G>A on transcript NM_020632.3 (MANE Select); the canonical splice donor site of the intron after coding-DNA position 1691, G replaced by A.
Molecular consequence: splice donor variant.
Genome position (GRCh38, 1-based): chr7:138,734,135, C>T on the plus strand (G>A on the coding strand, the complement: ATP6V0A4 is on the minus strand). VCF-style: chr7-138734135-C-T. GRCh37 (hg19) VCF-style: chr7-138418880-C-T.
Other names: NC_000007.13:g.138418880C>T; IVS17, G-A, +1; c.1691+1G>A (NM_130840.3, NM_130841.3).
Identifiers: ClinVar variation 5152 (VCV000005152.8), dbSNP rs587776615, ClinGen allele CA117291.
Genomic context (GRCh38, chr7:138,734,135, plus strand): 5'-GTCACCATTCATCATCAGTGTGATCAGACAGAGCAGGCAGAGAGTGCATCAAGAAACTTA[C>T]ATGTGATTGAAAAGGCTGAGGATGACACCGAAAACCATCTGGACAATTCCCAGGATCACC-3'